The following is an entry in ClinVar:

NM_024422.6(DSC2):c.1669A>G (p.Arg557Gly)

Gene: DSC2 (desmocollin 2; minus strand). Cytogenetic location: 18q12.1.
Variant type: single nucleotide variant.
Coding change: c.1669A>G on transcript NM_024422.6 (MANE Select); coding-DNA position 1669, A replaced by G.
Protein change: p.Arg557Gly; replaces arginine 557 with glycine.
Molecular consequence: missense variant.
Genome position (GRCh38, 1-based): chr18:31,074,902, T>C on the plus strand (A>G on the coding strand, the complement: DSC2 is on the minus strand). VCF-style: chr18-31074902-T-C. GRCh37 (hg19) VCF-style: chr18-28654868-T-C.
Other names: c.1240A>G, p.Arg414Gly (NM_001406506.1, NM_001406507.1); c.1669A>G, p.Arg557Gly (NM_004949.5); short protein forms R414G, R557G.
Identifiers: ClinVar variation 4075666 (VCV004075666.1).

ClinVar aggregate classification (germline): Uncertain significance (1 of 4 stars; one submission).

Submission:

GeneDx
Classification: Uncertain significance. Last evaluated: 2025-02-13. Review status: criteria provided, single submitter. Criteria: GeneDx Variant Classification Process June 2021. Collection method: clinical testing. Allele origin: germline. Affected: yes.
Comment: Not observed at significant frequency in large population cohorts (gnomAD); In silico analysis supports that this missense variant has a deleterious effect on protein structure/function; Has not been previously published as pathogenic or benign to our knowledge